The following is an entry in ClinVar:

ClinVar aggregate classification (germline): Uncertain significance (1 of 4 stars; one submission).

Submission:

Labcorp Genetics (formerly Invitae), Labcorp
Classification: Uncertain significance. Last evaluated: 2022-06-29. Review status: criteria provided, single submitter. Criteria: Invitae Variant Classification Sherloc (09022015). Collection method: clinical testing. Allele origin: germline.
Comment: In summary, the available evidence is currently insufficient to determine the role of this variant in disease. Therefore, it has been classified as a Variant of Uncertain Significance. Algorithms developed to predict the effect of missense changes on protein structure and function are either unavailable or do not agree on the potential impact of this missense change (SIFT: "Deleterious"; PolyPhen-2: "Benign"; Align-GVGD: "Class C35"). This variant has not been reported in the literature in individuals affected with RAI1-related conditions. This variant is not present in population databases (gnomAD no frequency). This sequence change replaces histidine, which is basic and polar, with tyrosine, which is neutral and polar, at codon 1876 of the RAI1 protein (p.His1876Tyr).

NM_030665.4(RAI1):c.5626C>T (p.His1876Tyr)

Gene: RAI1 (retinoic acid induced 1; plus strand). Cytogenetic location: 17p11.2.
Variant type: single nucleotide variant.
Coding change: c.5626C>T on transcript NM_030665.4 (MANE Select); coding-DNA position 5626, C replaced by T.
Protein change: p.His1876Tyr; replaces histidine 1876 with tyrosine.
Molecular consequence: missense variant.
Genome position (GRCh38, 1-based): chr17:17,803,816, C>T. VCF-style: chr17-17803816-C-T. GRCh37 (hg19) VCF-style: chr17-17707130-C-T.
Other names: short protein forms H1876Y.
Identifiers: ClinVar variation 2012220 (VCV002012220.4), dbSNP rs2543642949, ClinGen allele CA398559958.
Genomic context (GRCh38, chr17:17,803,816, plus strand): 5'-ATGTGTTCCAGCTGCCAAGAAGCCGGGGCCACCATTGGGTGCTGCCACAAAGGATGCCTC[C>T]ACACCTACCACTACCCGTGTGCCAGCGATGCAGGTACGAGCCCGCCCAGGAACAGGAGGG-3'
Protein context (NP_109590.3, residues 1866-1886): TIGCCHKGCL[His1876Tyr]TYHYPCASDA